The following is an entry in ClinVar:

NM_020549.5(CHAT):c.1895G>A (p.Arg632Gln)

Gene: CHAT (choline O-acetyltransferase; plus strand). Cytogenetic location: 10q11.23.
Variant type: single nucleotide variant.
Coding change: c.1895G>A on transcript NM_020549.5 (MANE Select); coding-DNA position 1895, G replaced by A.
Protein change: p.Arg632Gln; replaces arginine 632 with glutamine.
Molecular consequence: missense variant.
Genome position (GRCh38, 1-based): chr10:49,662,700, G>A. VCF-style: chr10-49662700-G-A. GRCh37 (hg19) VCF-style: chr10-50870746-G-A.
Other names: c.1541G>A, p.Arg514Gln (NM_001142929.2, NM_001142934.2, NM_020984.4 and 2 more transcripts); c.1649G>A, p.Arg550Gln (NM_001142933.2); short protein forms R514Q, R632Q, R550Q.
Identifiers: ClinVar variation 530660 (VCV000530660.10), dbSNP rs758448736, ClinGen allele CA5497665.

ClinVar aggregate classification (germline): Uncertain significance. Review status: criteria provided, multiple submitters, no conflicts (2 of 4 stars). 2 submissions from 2 submitters: Uncertain significance (2). Last evaluated 2025-02-15.

Conditions:
Familial infantile myasthenia (CMS6). Also called: MYASTHENIC SYNDROME, PRESYNAPTIC, CONGENITAL, ASSOCIATED WITH EPISODIC APNEA; MYASTHENIC SYNDROME, CONGENITAL, 6, PRESYNAPTIC; Congenital myasthenic syndrome type 6. Identifiers: Orphanet 590, MedGen C0393929, MONDO:0009689, OMIM 254210.

Allele frequency attached by ClinVar (database versions not stated): TOPMed 0.00001; gnomAD exomes 0.00002 and 0.00003; ExAC 0.00003; gnomAD 0.00003.
gnomAD v4.1: 40 of 1,614,046 alleles (0.0025%); highest among the groups gnomAD compares: Middle Eastern, 0.016%; no homozygotes.

Submissions (2):

Labcorp Genetics (formerly Invitae), Labcorp
Classification: Uncertain significance for Familial infantile myasthenia. Last evaluated: 2025-02-15. Review status: criteria provided, single submitter. Criteria: Invitae Variant Classification Sherloc (09022015). Collection method: clinical testing. Allele origin: germline.
Comment: This sequence change replaces arginine, which is basic and polar, with glutamine, which is neutral and polar, at codon 632 of the CHAT protein (p.Arg632Gln). This variant is present in population databases (rs758448736, gnomAD 0.006%). This variant has not been reported in the literature in individuals affected with CHAT-related conditions. ClinVar contains an entry for this variant (Variation ID: 530660). Invitae Evidence Modeling of protein sequence and biophysical properties (such as structural, functional, and spatial information, amino acid conservation, physicochemical variation, residue mobility, and thermodynamic stability) indicates that this missense variant is not expected to disrupt CHAT protein function with a negative predictive value of 95%. In summary, the available evidence is currently insufficient to determine the role of this variant in disease. Therefore, it has been classified as a Variant of Uncertain Significance.

Revvity Omics, Revvity
Classification: Uncertain significance for Familial infantile myasthenia. Last evaluated: 2024-06-26. Review status: criteria provided, single submitter. Criteria: ACMG Guidelines, 2015. Collection method: clinical testing. Allele origin: germline.